The following is an entry in ClinVar:

ClinVar aggregate classification (germline): Uncertain significance. Review status: criteria provided, multiple submitters, no conflicts (2 of 4 stars). 2 submissions from 2 submitters: Uncertain significance (2). Last evaluated 2023-07-19.

Conditions:
Wilson disease (WND). Also called: Wilson's disease. Identifiers: Orphanet 905, MedGen C0019202, MONDO:0010200, OMIM 277900. Disease mechanism: loss of function.

Allele frequency attached by ClinVar (database versions not stated): gnomAD exomes below 0.00001; ExAC 0.00001; gnomAD 0.00001.
gnomAD v4.1: 3 of 1,614,124 alleles (0.00019%); highest among the groups gnomAD compares: Non-Finnish European, 0.00025%; no homozygotes.

Submissions (2):

All of Us Research Program, National Institutes of Health
Classification: Uncertain significance for Wilson disease. Last evaluated: 2023-07-19. Review status: criteria provided, single submitter. Criteria: ACMG Guidelines, 2015. Collection method: clinical testing. Allele origin: germline. Inheritance: Autosomal recessive inheritance. Observed: 1 variant allele, 1 heterozygote.
Comment: This missense variant replaces serine with cysteine at codon 1439 of the ATP7B protein. Computational prediction suggests that this variant may not impact protein structure and function (internally defined REVEL score threshold <= 0.5, PMID: 27666373). To our knowledge, functional studies have not been reported for this variant. This variant has not been reported in individuals affected with ATP7B-related disorders in the literature. This variant has been identified in 1/249556 chromosomes in the general population by the Genome Aggregation Database (gnomAD). The available evidence is insufficient to determine the role of this variant in disease conclusively. Therefore, this variant is classified as a Variant of Uncertain Significance.

This study involves interpretation of variants in research participants for the purpose of population health screening. Participant phenotype was not available at the time of variant classification. Additional details can be found in publication PMID: 35346344, PMCID: PMC8962531

Labcorp Genetics (formerly Invitae), Labcorp
Classification: Uncertain significance for Wilson disease. Last evaluated: 2022-06-28. Review status: criteria provided, single submitter. Criteria: Invitae Variant Classification Sherloc (09022015). Collection method: clinical testing. Allele origin: germline.
Comment: This sequence change replaces serine, which is neutral and polar, with cysteine, which is neutral and slightly polar, at codon 1439 of the ATP7B protein (p.Ser1439Cys). This variant is present in population databases (rs780338961, gnomAD 0.0009%). This variant has not been reported in the literature in individuals affected with ATP7B-related conditions. Advanced modeling of protein sequence and biophysical properties (such as structural, functional, and spatial information, amino acid conservation, physicochemical variation, residue mobility, and thermodynamic stability) performed at Invitae indicates that this missense variant is not expected to disrupt ATP7B protein function. In summary, the available evidence is currently insufficient to determine the role of this variant in disease. Therefore, it has been classified as a Variant of Uncertain Significance.

NM_000053.4(ATP7B):c.4316C>G (p.Ser1439Cys)

Gene: ATP7B (ATPase copper transporting beta; minus strand). Cytogenetic location: 13q14.3.
Variant type: single nucleotide variant.
Coding change: c.4316C>G on transcript NM_000053.4 (MANE Select); coding-DNA position 4316, C replaced by G.
Protein change: p.Ser1439Cys; replaces serine 1439 with cysteine.
Molecular consequence: missense variant.
Genome position (GRCh38, 1-based): chr13:51,934,838, G>C on the plus strand (C>G on the coding strand, the complement: ATP7B is on the minus strand). VCF-style: chr13-51934838-G-C. GRCh37 (hg19) VCF-style: chr13-52508974-G-C.
Other names: c.3695C>G, p.Ser1232Cys (NM_001005918.3); c.3983C>G, p.Ser1328Cys (NM_001243182.2); c.4082C>G, p.Ser1361Cys (NM_001330578.2, NM_001406527.1, NM_001406528.1); c.4064C>G, p.Ser1355Cys (NM_001330579.2, NM_001406531.1, NM_001406532.1); c.4316C>G, p.Ser1439Cys (NM_001406511.1, NM_001406512.1); c.4310C>G, p.Ser1437Cys (NM_001406513.1); c.4283C>G, p.Ser1428Cys (NM_001406514.1); c.4262C>G, p.Ser1421Cys (NM_001406515.1, NM_001406516.1); and 21 more; short protein forms S1232C, S1313C, S1326C, S1359C, S1371C, S1380C, S1437C, S1158C.
Identifiers: ClinVar variation 2146334 (VCV002146334.2), dbSNP rs780338961, ClinGen allele CA6988426.